The following is an entry in ClinVar:

NM_015533.4(TKFC):c.297C>T (p.Ala99=)

Gene: TKFC (triokinase and FMN cyclase; plus strand). Cytogenetic location: 11q12.2.
Variant type: single nucleotide variant.
Coding change: c.297C>T on transcript NM_015533.4 (MANE Select); coding-DNA position 297, C replaced by T.
Protein change: p.Ala99=; no amino-acid change (alanine 99 retained).
Molecular consequence: synonymous variant.
Genome position (GRCh38, 1-based): chr11:61,339,169, C>T. VCF-style: chr11-61339169-C-T. GRCh37 (hg19) VCF-style: chr11-61106641-C-T.
Other names: c.297C>T, p.Ala99= (NM_001351976.2, NM_001351977.2, NM_001351978.2 and 1 more transcripts); c.87C>T, p.Ala29= (NM_001351980.2).
Identifiers: ClinVar variation 1335071 (VCV001335071.35), dbSNP rs75924231, ClinGen allele CA6033638.

ClinVar aggregate classification (germline): Likely benign (1 of 4 stars; one submission).

Allele frequency attached by ClinVar (database versions not stated): 1000 Genomes Project 0.00220; gnomAD 0.00232 and 0.00247; TOPMed 0.00241; 1000 Genomes Project 30x 0.00250; ESP Exome Variant Server 0.00354; gnomAD exomes 0.00057; ExAC 0.00084.
gnomAD v4.1: 747 of 1,613,576 alleles (0.046%); highest among the groups gnomAD compares: African/African-American, 0.77%; 5 homozygotes.

Submission:

CeGaT Center for Human Genetics Tuebingen
Classification: Likely benign. Last evaluated: 2022-05-01. Review status: criteria provided, single submitter. Criteria: CeGaT Center For Human Genetics Tuebingen Variant Classification Criteria Version 2. Collection method: clinical testing. Allele origin: germline. Affected: yes. Observed: 2 variant alleles.
Comment: TKFC: BP4, BP7